The following is an entry in ClinVar:

ClinVar aggregate classification (germline): Uncertain significance. Review status: criteria provided, multiple submitters, no conflicts (2 of 4 stars). 2 submissions from 2 submitters: Uncertain significance (2). Last evaluated 2023-09-27.

Conditions:
Hereditary cancer-predisposing syndrome. Also called: Neoplastic Syndromes, Hereditary; Tumor predisposition; Hereditary neoplastic syndrome; Hereditary Cancer Syndrome. Identifiers: Orphanet 140162, MedGen C0027672, MeSH D009386, MONDO:0015356.

Allele frequency attached by ClinVar (database versions not stated): TOPMed below 0.00001.

Submissions (2):

Ambry Genetics
Classification: Uncertain significance for Hereditary cancer-predisposing syndrome. Last evaluated: 2023-09-27. Review status: criteria provided, single submitter. Criteria: Ambry Variant Classification Scheme 2023. Collection method: clinical testing. Allele origin: germline.
Comment: The p.P491Q variant (also known as c.1472C>A), located in coding exon 11 of the POT1 gene, results from a C to A substitution at nucleotide position 1472. The proline at codon 491 is replaced by glutamine, an amino acid with similar properties. This amino acid position is conserved. In addition, this alteration is predicted to be deleterious by in silico analysis. Since supporting evidence is limited at this time, the clinical significance of this alteration remains unclear.

GeneDx
Classification: Uncertain significance. Last evaluated: 2023-06-11. Review status: criteria provided, single submitter. Criteria: GeneDx Variant Classification Process June 2021. Collection method: clinical testing. Allele origin: germline. Affected: yes.
Comment: Not observed at significant frequency in large population cohorts (gnomAD); In silico analysis supports that this missense variant has a deleterious effect on protein structure/function; Has not been previously published as pathogenic or benign to our knowledge; This variant is associated with the following publications: (PMID: 28393830)

NM_015450.3(POT1):c.1472C>A (p.Pro491Gln)

Gene: POT1 (protection of telomeres 1; minus strand). Cytogenetic location: 7q31.33.
Variant type: single nucleotide variant.
Coding change: c.1472C>A on transcript NM_015450.3 (MANE Select); coding-DNA position 1472, C replaced by A.
Protein change: p.Pro491Gln; replaces proline 491 with glutamine.
Molecular consequence: missense variant. On other transcripts: non-coding transcript variant (3).
Genome position (GRCh38, 1-based): chr7:124,835,312, G>T on the plus strand (C>A on the coding strand, the complement: POT1 is on the minus strand). VCF-style: chr7-124835312-G-T. GRCh37 (hg19) VCF-style: chr7-124475366-G-T.
Other names: c.1079C>A, p.Pro360Gln (NM_001042594.2); short protein forms P360Q, P491Q.
Identifiers: ClinVar variation 3226658 (VCV003226658.2), dbSNP rs1794871792, ClinGen allele CA369065527.